The following is an entry in ClinVar:

NM_024426.6(WT1):c.1126G>A (p.Val376Met)

Gene: WT1 (WT1 transcription factor; minus strand). Cytogenetic location: 11p13.
Variant type: single nucleotide variant.
Coding change: c.1126G>A on transcript NM_024426.6 (MANE Select); coding-DNA position 1126, G replaced by A.
Protein change: p.Val376Met; replaces valine 376 with methionine.
Molecular consequence: missense variant. On other transcripts: 5 prime UTR variant (1), non-coding transcript variant (2).
Genome position (GRCh38, 1-based): chr11:32,396,395, C>T on the plus strand (G>A on the coding strand, the complement: WT1 is on the minus strand). VCF-style: chr11-32396395-C-T. GRCh37 (hg19) VCF-style: chr11-32417941-C-T.
Other names: c.1075G>A, p.Val359Met (NM_000378.6, NM_001407045.1, NM_001407048.1 and 1 more transcripts); c.475G>A, p.Val159Met (NM_001198551.2); c.424G>A, p.Val142Met (NM_001198552.2); c.-63G>A (NM_001367854.1); c.1120G>A, p.Val374Met (NM_001407044.1); c.1126G>A, p.Val376Met (NM_001407046.1, NM_024424.5); c.1003G>A, p.Val335Met (NM_001407047.1); c.952G>A, p.Val318Met (NM_001407050.1); and 2 more; short protein forms V142M, V159M, V354M, V359M, V371M, V335M, V374M, V122M.
Identifiers: ClinVar variation 2947139 (VCV002947139.3), dbSNP rs2494784476, ClinGen allele CA379960064.

ClinVar aggregate classification (germline): Uncertain significance (1 of 4 stars; one submission).

Conditions:
Drash syndrome (DDS). Also called: NEPHROPATHY, WILMS TUMOR, AND GENITAL ANOMALIES; WILMS TUMOR AND PSEUDO- OR TRUE HERMAPHRODITISM. Identifiers: Orphanet 220, MedGen C0950121, MONDO:0008682, OMIM 194080.
Wilms tumor 1 (WT1). Also called: Wilms tumor, somatic. Identifiers: Orphanet 654, MedGen CN033288, MONDO:0008679, OMIM 194070.
11p partial monosomy syndrome (WAGR). Also called: CHROMOSOME 11p13 DELETION SYNDROME; WAGR syndrome; WAGR Complex; WAGR Spectrum Disorder. Identifiers: Orphanet 893, MedGen C0206115, MONDO:0008681, OMIM 194072.
Frasier syndrome. Identifiers: Orphanet 347, MedGen C0950122, MeSH D052159, MONDO:0007635, OMIM 136680.

Submission:

Labcorp Genetics (formerly Invitae), Labcorp
Classification: Uncertain significance for Wilms tumor 1; Drash syndrome; 11p partial monosomy syndrome; Frasier syndrome. Last evaluated: 2022-11-11. Review status: criteria provided, single submitter. Criteria: Invitae Variant Classification Sherloc (09022015). Collection method: clinical testing. Allele origin: germline.
Comment: In summary, the available evidence is currently insufficient to determine the role of this variant in disease. Therefore, it has been classified as a Variant of Uncertain Significance. Algorithms developed to predict the effect of missense changes on protein structure and function are either unavailable or do not agree on the potential impact of this missense change (SIFT: "Deleterious"; PolyPhen-2: "Probably Damaging"; Align-GVGD: "Class C15"). This variant has not been reported in the literature in individuals affected with WT1-related conditions. This variant is not present in population databases (gnomAD no frequency). This sequence change replaces valine, which is neutral and non-polar, with methionine, which is neutral and non-polar, at codon 371 of the WT1 protein (p.Val371Met).